The following is an entry in ClinVar:

NM_006073.4(TRDN):c.84C>T (p.Pro28=)

Gene: TRDN (triadin; minus strand). Cytogenetic location: 6q22.31.
Variant type: single nucleotide variant.
Coding change: c.84C>T on transcript NM_006073.4 (MANE Select); coding-DNA position 84, C replaced by T.
Protein change: p.Pro28=; no amino-acid change (proline 28 retained).
Molecular consequence: synonymous variant.
Genome position (GRCh38, 1-based): chr6:123,571,071, G>A on the plus strand (C>T on the coding strand, the complement: TRDN is on the minus strand). VCF-style: chr6-123571071-G-A. GRCh37 (hg19) VCF-style: chr6-123892216-G-A.
Other names: c.84C>T, p.Pro28= (NM_001251987.2, NM_001256020.2, NM_001256021.2 and 1 more transcripts).
Identifiers: ClinVar variation 228027 (VCV000228027.23), dbSNP rs145992727, ClinGen allele CA3984480.

ClinVar aggregate classification (germline): Likely benign. Review status: criteria provided, multiple submitters, no conflicts (2 of 4 stars). 6 submissions from 6 submitters: Likely benign (6). Last evaluated 2026-05-04.

Conditions:
Cardiovascular phenotype. Identifiers: MedGen CN230736.
Catecholaminergic polymorphic ventricular tachycardia 1. Also called: VENTRICULAR TACHYCARDIA, STRESS-INDUCED POLYMORPHIC 1; VENTRICULAR TACHYCARDIA, CATECHOLAMINERGIC POLYMORPHIC, 1, WITH OR WITHOUT ATRIAL DYSFUNCTION AND/OR DILATED CARDIOMYOPATHY; RYR2-Related Catecholaminergic Polymorphic Ventricular Tachycardia. Identifiers: Orphanet 3286, MedGen C1631597, MONDO:0011484, OMIM 604772.

Allele frequency attached by ClinVar (database versions not stated): gnomAD exomes 0.00007 and 0.00020; ExAC 0.00024; ESP Exome Variant Server 0.00057; 1000 Genomes Project 30x 0.00062; gnomAD 0.00065 and 0.00070; 1000 Genomes Project 0.00080; TOPMed 0.00080.
gnomAD v4.1: 219 of 1,613,952 alleles (0.014%); highest among the groups gnomAD compares: African/African-American, 0.23%; 2 homozygotes.

Submissions (6):

Women's Health and Genetics/Laboratory Corporation of America, LabCorp
Classification: Likely benign. Last evaluated: 2026-05-04. Review status: criteria provided, single submitter. Criteria: LabCorp Variant Classification Summary - May 2015. Collection method: clinical testing. Allele origin: germline.

Labcorp Genetics (formerly Invitae), Labcorp
Classification: Likely benign for Catecholaminergic polymorphic ventricular tachycardia 1. Last evaluated: 2026-01-28. Review status: criteria provided, single submitter. Criteria: Invitae Variant Classification Sherloc (09022015). Collection method: clinical testing. Allele origin: germline.

Blueprint Genetics
Classification: Likely benign. Last evaluated: 2023-11-28. Review status: criteria provided, single submitter. Criteria: ACMG Guidelines, 2015. Collection method: clinical testing. Allele origin: germline.

GeneDx
Classification: Likely benign. Last evaluated: 2021-03-09. Review status: criteria provided, single submitter. Criteria: GeneDx Variant Classification Process June 2021. Collection method: clinical testing. Allele origin: germline. Affected: yes.

Ambry Genetics
Classification: Likely benign for Cardiovascular phenotype. Last evaluated: 2019-03-19. Review status: criteria provided, single submitter. Criteria: Ambry Variant Classification Scheme 2023. Collection method: clinical testing. Allele origin: germline.

Laboratory for Molecular Medicine, Mass General Brigham Personalized Medicine
Classification: Likely benign. Last evaluated: 2016-03-23. Review status: criteria provided, single submitter. Criteria: LMM Criteria. Collection method: clinical testing. Allele origin: germline. Observed: 1 variant allele.
Comment: p.Pro28Pro in exon 2 of TRDN: This variant is not expected to have clinical sign ificance because it does not alter an amino acid residue and is not located with in the splice consensus sequence. It has been identified in 0.2% (24/9800) of Af rican chromosomes by the Exome Aggregation Consortium (ExAC; dbSNP rs145992727).